The following is an entry in ClinVar:

NM_182961.4(SYNE1):c.6738C>A (p.Asn2246Lys)

Genes: SYNE1 (spectrin repeat containing nuclear envelope protein 1; minus strand), SYNE1-AS2 (SYNE1 antisense RNA 2; plus strand). Cytogenetic location: 6q25.2.
Variant type: single nucleotide variant.
Coding change: c.6738C>A on transcript NM_182961.4 (MANE Select); coding-DNA position 6738, C replaced by A.
Protein change: p.Asn2246Lys; replaces asparagine 2246 with lysine.
Molecular consequence: missense variant.
Genome position (GRCh38, 1-based): chr6:152,404,300, G>T on the plus strand (C>A on the coding strand, the complement: SYNE1 is on the minus strand). VCF-style: chr6-152404300-G-T. GRCh37 (hg19) VCF-style: chr6-152725435-G-T.
Other names: c.6759C>A, p.Asn2253Lys (NM_033071.5); short protein forms N2246K, N2253K.
Identifiers: ClinVar variation 2196108 (VCV002196108.2), dbSNP rs1464089457, ClinGen allele CA366122261.

ClinVar aggregate classification (germline): Uncertain significance. Review status: criteria provided, multiple submitters, no conflicts (2 of 4 stars). 2 submissions from 2 submitters: Uncertain significance (2). Last evaluated 2022-08-24.

Conditions:
Emery-Dreifuss muscular dystrophy 4, autosomal dominant (EDMD4). Also called: EMERY-DREIFUSS MUSCULAR DYSTROPHY 4 WITH VARIABLE FEATURES. Identifiers: Orphanet 261, MedGen C2751807, MONDO:0013071, OMIM 612998.
Autosomal recessive ataxia, Beauce type. Also called: Spinocerebellar ataxia, autosomal recessive 8; ATAXIA, RECESSIVE, OF BEAUCE; SYNE1-Related Autosomal Recessive Cerebellar Ataxia; SYNE1 Deficiency. Identifiers: Orphanet 88644, MedGen C1853116, MONDO:0012549, OMIM 610743.
Inborn genetic diseases. Identifiers: MedGen C0950123, MeSH D030342.

Allele frequency attached by ClinVar (database versions not stated): TOPMed 0.00001.
gnomAD v4.1: 11 of 1,611,506 alleles (0.00068%); highest among the groups gnomAD compares: Admixed American, 0.018%; no homozygotes.

Submissions (2):

Labcorp Genetics (formerly Invitae), Labcorp
Classification: Uncertain significance for Emery-Dreifuss muscular dystrophy 4, autosomal dominant; Autosomal recessive ataxia, Beauce type. Last evaluated: 2022-08-24. Review status: criteria provided, single submitter. Criteria: Invitae Variant Classification Sherloc (09022015). Collection method: clinical testing. Allele origin: germline.
Comment: This sequence change replaces asparagine, which is neutral and polar, with lysine, which is basic and polar, at codon 2253 of the SYNE1 protein (p.Asn2253Lys). This variant is present in population databases (no rsID available, gnomAD 0.02%). This variant has not been reported in the literature in individuals affected with SYNE1-related conditions. Algorithms developed to predict the effect of missense changes on protein structure and function output the following: SIFT: "Tolerated"; PolyPhen-2: "Benign"; Align-GVGD: "Class C0". The lysine amino acid residue is found in multiple mammalian species, which suggests that this missense change does not adversely affect protein function. In summary, the available evidence is currently insufficient to determine the role of this variant in disease. Therefore, it has been classified as a Variant of Uncertain Significance.

Ambry Genetics
Classification: Uncertain significance for Inborn genetic diseases. Last evaluated: 2021-10-05. Review status: criteria provided, single submitter. Criteria: Ambry Variant Classification Scheme 2023. Collection method: clinical testing. Allele origin: germline.